The following is an entry in ClinVar:

ClinVar aggregate classification (germline): Likely pathogenic (1 of 4 stars; one submission).

Conditions:
Autosomal recessive limb-girdle muscular dystrophy type 2J (LGMDR10). Also called: Limb-girdle muscular dystrophy, type 2J; MUSCULAR DYSTROPHY, LIMB-GIRDLE, AUTOSOMAL RECESSIVE 10. Identifiers: Orphanet 140922, MedGen C1837342, MONDO:0012127, OMIM 608807.
Dilated cardiomyopathy 1G (CMD1G). Identifiers: Orphanet 154, MedGen C1858763, MONDO:0011400, OMIM 604145.

Submission:

Labcorp Genetics (formerly Invitae), Labcorp
Classification: Likely pathogenic for Dilated cardiomyopathy 1G; Autosomal recessive limb-girdle muscular dystrophy type 2J. Last evaluated: 2025-04-17. Review status: criteria provided, single submitter. Criteria: Invitae Variant Classification Sherloc (09022015). Collection method: clinical testing. Allele origin: germline.
Comment: This sequence change creates a premature translational stop signal (p.Gly4270Thrfs*9) in the TTN gene. While this is not anticipated to result in nonsense mediated decay, it is expected to create a truncated TTN protein. This variant is not present in population databases (gnomAD no frequency). This variant has not been reported in the literature in individuals affected with TTN-related conditions. This variant is located in the I band of TTN (PMID: 25589632). Truncating variants in this region have been reported in individuals affected with autosomal recessive centronuclear myopathy (PMID: 23975875, internal data). Truncating variants in this region have also been identified in individuals affected with autosomal dominant dilated cardiomyopathy and/or cardio-related conditions (PMID: 27869827, 32964742, internal data). In summary, the currently available evidence indicates that the variant is pathogenic, but additional data are needed to prove that conclusively. Therefore, this variant has been classified as Likely Pathogenic.

Literature cited by the submitters: PubMed 25589632; PubMed 23975875; PubMed 27869827; PubMed 32964742.

NM_001267550.2(TTN):c.12808_12809del (p.Gly4270fs)

Gene: TTN (titin; minus strand). Cytogenetic location: 2q31.2.
Variant type: Deletion.
Coding change: c.12808_12809del on transcript NM_001267550.2 (MANE Select); coding-DNA positions 12808 to 12809, 2 bases deleted (GG; older notation c.12808_12809delGG).
Protein change: p.Gly4270fs; shifts the reading frame from glycine 4270.
Molecular consequence: frameshift variant. On other transcripts: intron variant (1).
Genome position (GRCh38, 1-based): chr2:178,740,424-178,740,425, CC deleted on the plus strand (GG on the coding strand, the reverse complement: TTN is on the minus strand); deleting any 2 consecutive bases within chr2:178,740,424-178,740,426 gives the same sequence; the c. name uses the placement nearest the transcript's 3' end. VCF-style (leftmost placement, unchanged base first): chr2-178740423-TCC-T. GRCh37 (hg19) VCF-style: chr2-179605150-TCC-T.
Other names: c.11857_11858del, p.Gly3953fs (NM_001256850.1); c.11719_11720del, p.Gly3907fs (NM_003319.4); c.12094_12095del, p.Gly4032fs (NM_133432.3); c.12295_12296del, p.Gly4099fs (NM_133437.4); c.10361-2065_10361-2064del (NM_133378.4); short protein forms G4270fs, G3907fs, G3953fs, G4032fs, G4099fs.
Identifiers: ClinVar variation 4784732 (VCV004784732.1).